The following is an entry in ClinVar:

ClinVar aggregate classification (germline): Benign/Likely benign. Review status: criteria provided, multiple submitters, no conflicts (2 of 4 stars). 3 submissions from 3 submitters: Benign (1); Likely benign (2). Last evaluated 2025-12-29.

Conditions:
Hereditary breast ovarian cancer syndrome. Also called: Hereditary breast and ovarian cancer syndrome; Breast and ovarian cancer; Hereditary breast and ovarian cancer syndrome (HBOC); Hereditary breast and/or ovarian cancer syndrome; BRCA1- and BRCA2-Associated Hereditary Breast and Ovarian Cancer; Hereditary breast and ovarian cancer. Identifiers: Orphanet 145, MedGen C0677776, MeSH D061325, MONDO:0003582. Disease mechanism: loss of function.

Allele frequency attached by ClinVar (database versions not stated): gnomAD exomes 0.00154; ExAC 0.00186; 1000 Genomes Project 0.00479; 1000 Genomes Project 30x 0.00500; gnomAD 0.00603 and 0.00654; TOPMed 0.00669; ESP Exome Variant Server 0.00715.
gnomAD v4.1: 1,777 of 1,459,800 alleles (0.12%); highest among the groups gnomAD compares: African/African-American, 2.1%; 23 homozygotes.

Submissions (3):

Center for Genomic Medicine, Rigshospitalet, Copenhagen University Hospital
Classification: Benign. Last evaluated: 2025-12-29. Review status: criteria provided, single submitter. Criteria: ACMG Guidelines, 2015. Collection method: clinical testing. Allele origin: germline.
Comment: Classification criteria: BA1

National Health Laboratory Service, Universitas Academic Hospital and University of the Free State
Classification: Likely benign for Hereditary breast ovarian cancer syndrome. Last evaluated: 2022-04-19. Review status: criteria provided, single submitter. Criteria: ACMG Guidelines, 2015. Collection method: clinical testing. Allele origin: germline. Affected: yes. Observed: 10 variant alleles.

GeneDx
Classification: Likely benign. Last evaluated: 2018-06-23. Review status: criteria provided, single submitter. Criteria: GeneDx Variant Classification Process June 2021. Collection method: clinical testing. Allele origin: germline. Affected: yes.

NM_000465.4(BARD1):c.159-42A>C

Gene: BARD1 (BRCA1 associated RING domain 1; minus strand). Cytogenetic location: 2q35.
Variant type: single nucleotide variant.
Coding change: c.159-42A>C on transcript NM_000465.4 (MANE Select); 42 bases into the intron before coding-DNA position 159, A replaced by C.
Molecular consequence: intron variant.
Genome position (GRCh38, 1-based): chr2:214,797,159, T>G on the plus strand (A>C on the coding strand, the complement: BARD1 is on the minus strand). VCF-style: chr2-214797159-T-G. GRCh37 (hg19) VCF-style: chr2-215661883-T-G.
Other names: c.158+12253A>C (NM_001282548.2); c.159-4714A>C (NM_001282543.2); c.159-42A>C (NM_001282545.2, NM_001282549.2).
Identifiers: ClinVar variation 1201365 (VCV001201365.5), dbSNP rs148092589, ClinGen allele CA2090497.